The following is an entry in ClinVar:

ClinVar aggregate classification (germline): Likely benign. Review status: criteria provided, multiple submitters, no conflicts (2 of 4 stars). 3 submissions from 3 submitters: Likely benign (3). Last evaluated 2025-11-05.

Conditions:
Hereditary cancer-predisposing syndrome. Also called: Hereditary Cancer Syndrome; Neoplastic Syndromes, Hereditary; Tumor predisposition; Hereditary neoplastic syndrome. Identifiers: Orphanet 140162, MedGen C0027672, MeSH D009386, MONDO:0015356.

Allele frequency attached by ClinVar (database versions not stated): gnomAD exomes below 0.00001; gnomAD 0.00001; TOPMed 0.00001.
gnomAD v4.1: 2 of 1,614,084 alleles (0.00012%); highest among the groups gnomAD compares: Non-Finnish European, 0.00017%; no homozygotes.

Submissions (3):

Labcorp Genetics (formerly Invitae), Labcorp
Classification: Likely benign. Last evaluated: 2025-11-05. Review status: criteria provided, single submitter. Criteria: Invitae Variant Classification Sherloc (09022015). Collection method: clinical testing. Allele origin: germline.

Ambry Genetics
Classification: Likely benign for Hereditary cancer-predisposing syndrome. Last evaluated: 2018-03-29. Review status: criteria provided, single submitter. Criteria: Ambry Variant Classification Scheme 2023. Collection method: clinical testing. Allele origin: germline.

GeneDx
Classification: Likely benign. Last evaluated: 2017-10-13. Review status: criteria provided, single submitter. Criteria: GeneDx Variant Classification (06012015). Collection method: clinical testing. Allele origin: germline. Affected: yes.
Comment: This variant is considered likely benign or benign based on one or more of the following criteria: it is a conservative change, it occurs at a poorly conserved position in the protein, it is predicted to be benign by multiple in silico algorithms, and/or has population frequency not consistent with disease.

NM_006231.4(POLE):c.3195A>G (p.Gly1065=)

Gene: POLE (DNA polymerase epsilon, catalytic subunit; minus strand). Cytogenetic location: 12q24.33.
Variant type: single nucleotide variant.
Coding change: c.3195A>G on transcript NM_006231.4 (MANE Select); coding-DNA position 3195, A replaced by G.
Protein change: p.Gly1065=; no amino-acid change (glycine 1065 retained).
Molecular consequence: synonymous variant.
Genome position (GRCh38, 1-based): chr12:132,659,375, T>C on the plus strand (A>G on the coding strand, the complement: POLE is on the minus strand). VCF-style: chr12-132659375-T-C. GRCh37 (hg19) VCF-style: chr12-133235961-T-C.
Identifiers: ClinVar variation 512649 (VCV000512649.14), dbSNP rs1454076563, ClinGen allele CA482733051.
Genomic context (GRCh38, chr12:132,659,375, plus strand): 5'-CTCGGGCTTGCGGGAGATGATGTAGCGGCAACTCAGCCCTGCATCCTTGACCATCTGGTC[T>C]CCCAGGAACTCGGCCAGGCGCTTTGCTGTGCTGATGGACGTAGACTTCTGCTCCCCGTAA-3'
Protein context (NP_006222.2, residues 1055-1075): STAKRLAEFL[Gly1065=]DQMVKDAGLS